The following is an entry in ClinVar:

ClinVar aggregate classification (germline): Uncertain significance (1 of 4 stars; one submission).

Allele frequency attached by ClinVar (database versions not stated): TOPMed below 0.00001; gnomAD exomes 0.00001 and 0.00004.
gnomAD v4.1: 62 of 1,614,062 alleles (0.0038%); highest among the groups gnomAD compares: Non-Finnish European, 0.0053%; no homozygotes.

Submission:

Labcorp Genetics (formerly Invitae), Labcorp
Classification: Uncertain significance. Last evaluated: 2023-10-29. Review status: criteria provided, single submitter. Criteria: Invitae Variant Classification Sherloc (09022015). Collection method: clinical testing. Allele origin: germline.
Comment: This sequence change replaces aspartic acid, which is acidic and polar, with glutamic acid, which is acidic and polar, at codon 1593 of the RP1 protein (p.Asp1593Glu). This variant is present in population databases (no rsID available, gnomAD 0.002%). This variant has not been reported in the literature in individuals affected with RP1-related conditions. ClinVar contains an entry for this variant (Variation ID: 1487406). Algorithms developed to predict the effect of missense changes on protein structure and function output the following: SIFT: "Not Available"; PolyPhen-2: "Benign"; Align-GVGD: "Not Available". The glutamic acid amino acid residue is found in multiple mammalian species, which suggests that this missense change does not adversely affect protein function. In summary, the available evidence is currently insufficient to determine the role of this variant in disease. Therefore, it has been classified as a Variant of Uncertain Significance.

NM_006269.2(RP1):c.4779C>G (p.Asp1593Glu)

Gene: RP1 (RP1 axonemal microtubule associated; plus strand). Cytogenetic location: 8q12.1.
Variant type: single nucleotide variant.
Coding change: c.4779C>G on transcript NM_006269.2 (MANE Select); coding-DNA position 4779, C replaced by G.
Protein change: p.Asp1593Glu; replaces aspartic acid 1593 with glutamic acid.
Molecular consequence: missense variant. On other transcripts: intron variant (1).
Genome position (GRCh38, 1-based): chr8:54,628,661, C>G. VCF-style: chr8-54628661-C-G. GRCh37 (hg19) VCF-style: chr8-55541221-C-G.
Other names: c.787+6373C>G (NM_001375654.1); short protein forms D1593E.
Identifiers: ClinVar variation 1487406 (VCV001487406.8), dbSNP rs1364825857, ClinGen allele CA370983170.